The following is an entry in ClinVar:

ClinVar aggregate classification (germline): Conflicting classifications of pathogenicity. Review status: criteria provided, conflicting classifications (1 of 4 stars). 6 submissions from 6 submitters: Uncertain significance (2); Likely benign (3). 1 of the submissions does not count toward it. Last evaluated 2026-02-04.

Conditions:
POU1F1-related disorder. Also called: POU1F1-related condition.
Pituitary hormone deficiency, combined, 1 (CPHD1). Also called: Pituitary hormone deficiency, combined or isolated, 1. Identifiers: MedGen C2751608, MONDO:0024464, OMIM 613038.

Allele frequency attached by ClinVar (database versions not stated): gnomAD exomes 0.00019 and 0.00022; gnomAD 0.00022; ExAC 0.00024; TOPMed 0.00024; ESP Exome Variant Server 0.00031.
gnomAD v4.1: 311 of 1,613,958 alleles (0.019%); highest among the groups gnomAD compares: Middle Eastern, 1%; 2 homozygotes.

Submissions (6):

Labcorp Genetics (formerly Invitae), Labcorp
Classification: Likely benign. Last evaluated: 2026-02-04. Review status: criteria provided, single submitter. Criteria: Invitae Variant Classification Sherloc (09022015). Collection method: clinical testing. Allele origin: germline.

Women's Health and Genetics/Laboratory Corporation of America, LabCorp
Classification: Likely benign. Last evaluated: 2025-10-07. Review status: criteria provided, single submitter. Criteria: LabCorp Variant Classification Summary - May 2015. Collection method: clinical testing. Allele origin: germline.
Comment: Variant summary: POU1F1 c.27T>C alters a conserved nucleotide resulting in a synonymous change. Consensus agreement among computation tools predict no significant impact on normal splicing. However, these predictions have yet to be confirmed by functional studies. The variant allele was found at a frequency of 0.00022 in 251088 control chromosomes. This frequency is not significantly higher than estimated for disease-causing variants in POU1F1, allowing no conclusion about variant significance. To our knowledge, no occurrence of c.27T>C in individuals affected with POU1F1-related conditions and no experimental evidence demonstrating its impact on protein function have been reported. ClinVar contains an entry for this variant (Variation ID: 902196). Based on the evidence outlined above, the variant was classified as likely benign.

Blueprint Genetics
Classification: Likely benign. Last evaluated: 2024-10-08. Review status: criteria provided, single submitter. Criteria: ACMG Guidelines, 2015. Collection method: clinical testing. Allele origin: germline.

Illumina Laboratory Services, Illumina
Classification: Uncertain significance for Pituitary hormone deficiency, combined, 1. Last evaluated: 2018-01-13. Review status: criteria provided, single submitter. Criteria: ICSL Variant Classification Criteria 13 December 2019. Collection method: clinical testing. Allele origin: germline.

Breakthrough Genomics
Classification: Uncertain significance. Review status: criteria provided, single submitter. Criteria: ACMG Guidelines, 2015. Collection method: not provided. Allele origin: germline. Inheritance: Autosomal recessive inheritance. Affected: yes.

PreventionGenetics, part of Exact Sciences
Classification: Likely benign for POU1F1-related condition. Last evaluated: 2019-05-02. Review status: no assertion criteria provided. Collection method: clinical testing. Allele origin: germline. Not counted in ClinVar's aggregate classification.
Comment: This variant is classified as likely benign based on ACMG/AMP sequence variant interpretation guidelines (Richards et al. 2015 PMID: 25741868, with internal and published modifications).

NM_000306.4(POU1F1):c.27T>C (p.Ala9=)

Gene: POU1F1 (POU class 1 homeobox 1; minus strand). Cytogenetic location: 3p11.2.
Variant type: single nucleotide variant.
Coding change: c.27T>C on transcript NM_000306.4 (MANE Select); coding-DNA position 27, T replaced by C.
Protein change: p.Ala9=; no amino-acid change (alanine 9 retained).
Molecular consequence: synonymous variant.
Genome position (GRCh38, 1-based): chr3:87,276,436, A>G on the plus strand (T>C on the coding strand, the complement: POU1F1 is on the minus strand). VCF-style: chr3-87276436-A-G. GRCh37 (hg19) VCF-style: chr3-87325586-A-G.
Other names: c.27T>C, p.Ala9= (NM_001122757.3); c.27T>C (NM_000306.3).
Identifiers: ClinVar variation 902196 (VCV000902196.12), dbSNP rs35560664, ClinGen allele CA2501323.